The following is an entry in ClinVar:

NM_144997.7(FLCN):c.1389C>A (p.Tyr463Ter)

Gene: FLCN (folliculin; minus strand). Cytogenetic location: 17p11.2.
Variant type: single nucleotide variant.
Coding change: c.1389C>A on transcript NM_144997.7 (MANE Select); coding-DNA position 1389, C replaced by A.
Protein change: p.Tyr463Ter; replaces tyrosine 463 with a stop codon.
Molecular consequence: nonsense.
Genome position (GRCh38, 1-based): chr17:17,215,228, G>T on the plus strand (C>A on the coding strand, the complement: FLCN is on the minus strand). VCF-style: chr17-17215228-G-T. GRCh37 (hg19) VCF-style: chr17-17118542-G-T.
Other names: c.1389C>A (LRG_325t1); c.1443C>A, p.Tyr481Ter (NM_001353229.2); c.1389C>A, p.Tyr463Ter (NM_001353230.2, NM_001353231.2); short protein forms Y463*, Y481*.
Identifiers: ClinVar variation 253250 (VCV000253250.15), dbSNP rs137852929, ClinGen allele CA10586253.

ClinVar aggregate classification (germline): Pathogenic/Likely pathogenic. Review status: criteria provided, multiple submitters, no conflicts (2 of 4 stars). 5 submissions from 5 submitters: Pathogenic (4); Likely pathogenic (1). Last evaluated 2025-04-21.

Conditions:
Hereditary cancer-predisposing syndrome. Also called: Tumor predisposition; Hereditary Cancer Syndrome; Neoplastic Syndromes, Hereditary; Hereditary neoplastic syndrome. Identifiers: Orphanet 140162, MedGen C0027672, MeSH D009386, MONDO:0015356.
Birt-Hogg-Dube syndrome. Also called: Birt Hogg Dubé syndrome. Identifiers: Orphanet 122, MedGen C0346010, MONDO:0800444.

Submissions (5):

Labcorp Genetics (formerly Invitae), Labcorp
Classification: Pathogenic for Birt-Hogg-Dube syndrome. Last evaluated: 2025-04-21. Review status: criteria provided, single submitter. Criteria: Invitae Variant Classification Sherloc (09022015). Collection method: clinical testing. Allele origin: germline.
Comment: This sequence change creates a premature translational stop signal (p.Tyr463*) in the FLCN gene. It is expected to result in an absent or disrupted protein product. Loss-of-function variants in FLCN are known to be pathogenic (PMID: 15852235). This variant is not present in population databases (gnomAD no frequency). This variant has not been reported in the literature in individuals affected with FLCN-related conditions. ClinVar contains an entry for this variant (Variation ID: 253250). Studies have shown that this premature translational stop signal is associated with inconclusive levels of altered splicing (internal data). For these reasons, this variant has been classified as Pathogenic.

Ambry Genetics
Classification: Pathogenic for Hereditary cancer-predisposing syndrome. Last evaluated: 2024-12-17. Review status: criteria provided, single submitter. Criteria: Ambry Variant Classification Scheme 2023. Collection method: clinical testing. Allele origin: germline.
Comment: The p.Y463* pathogenic mutation (also known as c.1389C>A), located in coding exon 9 of the FLCN gene, results from a C to A substitution at nucleotide position 1389. This changes the amino acid from a tyrosine to a stop codon within coding exon 9. This alteration is expected to result in loss of function by premature protein truncation or nonsense-mediated mRNA decay. As such, this alteration is interpreted as a disease-causing mutation.

Myriad Genetics, Inc.
Classification: Pathogenic for Birt-Hogg-Dube syndrome 1. Last evaluated: 2023-10-09. Review status: criteria provided, single submitter. Criteria: Myriad Autosomal Dominant, Autosomal Recessive and X-Linked Classification Criteria (2023). Collection method: clinical testing. Allele origin: unknown.
Comment: This variant is considered pathogenic. This variant creates a termination codon and is predicted to result in premature protein truncation.

MGZ Medical Genetics Center
Classification: Likely pathogenic for Birt-Hogg-Dube syndrome 1. Last evaluated: 2022-08-04. Review status: criteria provided, single submitter. Criteria: ACMG Guidelines, 2015. Collection method: clinical testing. Allele origin: germline. Affected: yes. Observed: 1 variant allele.
Comment: ACMG criteria applied: PVS1, PM2_SUP

Genomic Diagnostic Laboratory, Division of Genomic Diagnostics, Children's Hospital of Philadelphia
Classification: Pathogenic for Birt-Hogg-Dube Syndrome. Last evaluated: 2016-07-18. Review status: criteria provided, single submitter. Criteria: DGD Variant Analysis Guidelines. Collection method: clinical testing. Allele origin: germline. Affected: yes. Observed: 1 variant allele.
Comment: Clinical Testing

Literature cited by the submitters: PubMed 15852235 (cited by Labcorp Genetics (formerly Invitae), Labcorp and Ambry Genetics); PubMed 12204536 (cited by Ambry Genetics).